The following is an entry in ClinVar:

ClinVar aggregate classification (germline): Benign. Review status: criteria provided, multiple submitters, no conflicts (2 of 4 stars). 2 submissions from 2 submitters: Benign (2). Last evaluated 2026-01-22.

Submissions (2):

Women's Health and Genetics/Laboratory Corporation of America, LabCorp
Classification: Benign. Last evaluated: 2026-01-22. Review status: criteria provided, single submitter. Criteria: LabCorp Variant Classification Summary - May 2015. Collection method: clinical testing. Allele origin: germline.
Comment: Variant summary: LCP2 c.*7delA is located in the untranslated mRNA region downstream of the termination codon. The variant allele was found at a frequency of 0.49 in 247528 control chromosomes in the gnomAD database, including 29558 homozygotes. The observed variant frequency exceeds the estimated maximal expected allele frequency for disease-causing variants in LCP2. To our knowledge, no occurrence of c.*7delA in individuals affected with LCP2-related conditions and no experimental evidence demonstrating its impact on protein function have been reported. No submitters have cited clinical-significance assessments for this variant to ClinVar. Based on the evidence outlined above, the variant was classified as benign.

Mayo Clinic Laboratories, Mayo Clinic
Classification: Benign. Last evaluated: 2022-09-06. Review status: criteria provided, single submitter. Criteria: ACMG Guidelines, 2015. Collection method: clinical testing. Allele origin: germline. Observed: 14 variant alleles.

NM_005565.5(LCP2):c.*7del

Genes: C5orf58 (chromosome 5 open reading frame 58; plus strand), LCP2 (lymphocyte cytosolic protein 2; minus strand). Cytogenetic location: 5q35.1.
Variant type: Deletion.
Coding change: c.*7del on transcript NM_005565.5 (MANE Select); 7 bases downstream of the stop codon, one base deleted (A; older notation c.*7delA).
Molecular consequence: 3 prime UTR variant.
Genome position (GRCh38, 1-based): chr5:170,248,690, T deleted on the plus strand (A on the coding strand, the reverse complement: LCP2 is on the minus strand). VCF-style (leftmost placement, unchanged base first): chr5-170248689-AT-A. GRCh37 (hg19) VCF-style: chr5-169675693-AT-A.
Other names: c.*7delA (NM_005565.5).
Identifiers: ClinVar variation 4684888 (VCV004684888.2).
Genomic context (GRCh38, chr5:170,248,689, plus strand): 5'-CCAAGGCTGATTGATCTCGTGTTGGCAACAGAGGCAGGAGGACGGTTCATTTGCTCGGCT[AT>A]AACTTGCTATGGGTACCCTGCAGCATGCGTTAATGTGCACTGGTATCTGGAACCTCGGTT-3'